The following is an entry in ClinVar:

NM_003482.4(KMT2D):c.10615C>T (p.Arg3539Trp)

Gene: KMT2D (lysine methyltransferase 2D; minus strand). Cytogenetic location: 12q13.12.
Variant type: single nucleotide variant.
Coding change: c.10615C>T on transcript NM_003482.4 (MANE Select); coding-DNA position 10615, C replaced by T.
Protein change: p.Arg3539Trp; replaces arginine 3539 with tryptophan.
Molecular consequence: missense variant.
Genome position (GRCh38, 1-based): chr12:49,034,192, G>A on the plus strand (C>T on the coding strand, the complement: KMT2D is on the minus strand). VCF-style: chr12-49034192-G-A. GRCh37 (hg19) VCF-style: chr12-49427975-G-A.
Other names: short protein forms R3539W.
Identifiers: ClinVar variation 2500777 (VCV002500777.2), dbSNP rs1943099538, ClinGen allele CA384727933.

ClinVar aggregate classification (germline): Likely pathogenic (1 of 4 stars; one submission).

Conditions:
Kabuki syndrome 1 (KABUK1). Also called: KMT2D-Related Kabuki Syndrome. Identifiers: Orphanet 2322, MedGen CN030661, MONDO:0007843, OMIM 147920.

Allele frequency attached by ClinVar (database versions not stated): gnomAD exomes below 0.00001.
gnomAD v4.1: 2 of 1,613,454 alleles (0.00012%); highest among the groups gnomAD compares: Non-Finnish European, 0.00017%; no homozygotes.

Submission:

Victorian Clinical Genetics Services, Murdoch Childrens Research Institute
Classification: Likely pathogenic for Kabuki syndrome 1. Last evaluated: 2022-02-02. Review status: criteria provided, single submitter. Criteria: ACMG Guidelines, 2015. Collection method: clinical testing. Allele origin: germline. Inheritance: Autosomal dominant inheritance. Affected: yes.
Comment: Based on the classification scheme VCGS_Germline_v1.3.3, this variant is classified as Likely pathogenic. Following criteria are met: 0102 - Loss of function is a known mechanism of disease in this gene and is associated with KMT2D-related malformation disorder (PMID: 31949313). (I) 0107 - This gene is associated with autosomal dominant disease. (I) 0200 - Variant is predicted to result in a missense amino acid change from arginine to tryptophan (exon 38). (I) 0251 - This variant is heterozygous. (I) 0301 - Variant is absent from gnomAD (both v2 and v3). (SP) 0502 - Missense variant with conflicting in silico predictions and uninformative conservation. (I) 0603 - Missense variant in a region that is highly intolerant to missense variation (high constraint region in DECIPHER). (SP) 0710 – Another missense variant comparable to the one identified in this case have inconclusive previous evidence for pathogenicity. An alternative change (p.Arg3539Gly) has been reported as a VUS (LOVD). (I) 0807 - This variant has no previous evidence of pathogenicity. (I) 0905 - No published segregation evidence has been identified for this variant. (I) 1007 - No published functional evidence has been identified for this variant. (SP) Legend: (SP) - Supporting pathogenic, (I) - Information, (SB) - Supporting benign

Literature cited by the submitters: PubMed 31949313.